The following is an entry in ClinVar:

NM_000030.3(AGXT):c.1094G>T (p.Gly365Val)

Gene: AGXT (alanine--glyoxylate aminotransferase; plus strand). Cytogenetic location: 2q37.3.
Variant type: single nucleotide variant.
Coding change: c.1094G>T on transcript NM_000030.3 (MANE Select); coding-DNA position 1094, G replaced by T.
Protein change: p.Gly365Val; replaces glycine 365 with valine.
Molecular consequence: missense variant.
Genome position (GRCh38, 1-based): chr2:240,878,736, G>T. VCF-style: chr2-240878736-G-T. GRCh37 (hg19) VCF-style: chr2-241818153-G-T.
Other names: short protein forms G365V.
Identifiers: ClinVar variation 4536697 (VCV004536697.1).

ClinVar aggregate classification (germline): Uncertain significance (1 of 4 stars; one submission).

Submission:

Women's Health and Genetics/Laboratory Corporation of America, LabCorp
Classification: Uncertain significance. Last evaluated: 2025-11-14. Review status: criteria provided, single submitter. Criteria: LabCorp Variant Classification Summary - May 2015. Collection method: clinical testing. Allele origin: germline.
Comment: Variant summary: AGXT c.1094G>T (p.Gly365Val) results in a non-conservative amino acid change in the encoded protein sequence. Algorithms developed to predict the effect of missense changes on protein structure and function all suggest that this variant is likely to be disruptive. The variant was absent in 185852 control chromosomes. The available data on variant occurrences in the general population are insufficient to allow any conclusion about variant significance. To our knowledge, no occurrence of c.1094G>T in individuals affected with AGXT-related conditions and no experimental evidence demonstrating its impact on protein function have been reported. No submitters have cited clinical-significance assessments for this variant to ClinVar. Based on the evidence outlined above, the variant was classified as uncertain significance.